The following is an entry in ClinVar:

NM_000548.5(TSC2):c.3079C>T (p.Leu1027=)

Gene: TSC2 (TSC complex subunit 2; plus strand). Cytogenetic location: 16p13.3.
Variant type: single nucleotide variant.
Coding change: c.3079C>T on transcript NM_000548.5 (MANE Select); coding-DNA position 3079, C replaced by T.
Protein change: p.Leu1027=; no amino-acid change (leucine 1027 retained).
Molecular consequence: synonymous variant.
Genome position (GRCh38, 1-based): chr16:2,079,144, C>T. VCF-style: chr16-2079144-C-T. GRCh37 (hg19) VCF-style: chr16-2129145-C-T.
Other names: c.2947C>T, p.Leu983= (NM_001077183.3, NM_001370404.1); c.3079C>T, p.Leu1027= (NM_001114382.3); c.2839C>T, p.Leu947= (NM_001318827.2); c.2803C>T, p.Leu935= (NM_001318829.2); c.2347C>T, p.Leu783= (NM_001318831.2); c.2980C>T, p.Leu994= (NM_001318832.2); c.2950C>T, p.Leu984= (NM_001363528.2, NM_001370405.1, NM_021055.3).
Identifiers: ClinVar variation 795587 (VCV000795587.11), dbSNP rs1596382637, ClinGen allele CA493042753.

ClinVar aggregate classification (germline): Likely benign. Review status: criteria provided, multiple submitters, no conflicts (2 of 4 stars). 3 submissions from 3 submitters: Likely benign (3). Last evaluated 2025-07-07.

Conditions:
Tuberous sclerosis syndrome (TSC). Also called: Tuberous sclerosis; Tuberous Sclerosis Complex. Identifiers: Orphanet 805, MedGen C0041341, MONDO:0001734.
Tuberous sclerosis 2 (TSC2). Identifiers: Orphanet 805, MedGen C1860707, MONDO:0013199, OMIM 613254.
Hereditary cancer-predisposing syndrome. Also called: Neoplastic Syndromes, Hereditary; Hereditary Cancer Syndrome; Tumor predisposition; Hereditary neoplastic syndrome. Identifiers: Orphanet 140162, MedGen C0027672, MeSH D009386, MONDO:0015356.

Submissions (3):

Labcorp Genetics (formerly Invitae), Labcorp
Classification: Likely benign for Tuberous sclerosis 2. Last evaluated: 2025-07-07. Review status: criteria provided, single submitter. Criteria: Invitae Variant Classification Sherloc (09022015). Collection method: clinical testing. Allele origin: germline.

All of Us Research Program, National Institutes of Health
Classification: Likely benign for Tuberous sclerosis syndrome. Last evaluated: 2024-06-09. Review status: criteria provided, single submitter. Criteria: ACMG Guidelines, 2015. Collection method: clinical testing. Allele origin: germline. Inheritance: Autosomal dominant inheritance. Observed: 1 variant allele, 1 heterozygote.
Comment: This study involves interpretation of variants in research participants for the purpose of population health screening. Participant phenotype was not available at the time of variant classification. Additional details can be found in publication PMID: 35346344, PMCID: PMC8962531

Ambry Genetics
Classification: Likely benign for Hereditary cancer-predisposing syndrome. Last evaluated: 2023-06-07. Review status: criteria provided, single submitter. Criteria: Ambry Variant Classification Scheme 2023. Collection method: clinical testing. Allele origin: germline.